The following is an entry in ClinVar:

ClinVar aggregate classification (germline): Conflicting classifications of pathogenicity. Review status: criteria provided, conflicting classifications (1 of 4 stars). 5 submissions from 5 submitters: Pathogenic (1); Likely pathogenic (2); Uncertain significance (1). 1 of the submissions does not count toward it. Last evaluated 2025-02-18.

Conditions:
PMM2-congenital disorder of glycosylation. Also called: PMM2-CDG; Congenital disorder of glycosylation, type Ia; CDG Ia; JAEKEN SYNDROME; PHOSPHOMANNOMUTASE 2 DEFICIENCY; CARBOHYDRATE-DEFICIENT GLYCOPROTEIN SYNDROME, TYPE Ia. Identifiers: Orphanet 79318, MedGen C0349653, MONDO:0008907, OMIM 212065.

gnomAD v4.1: 1 of 1,614,018 alleles (0.000062%); highest among the groups gnomAD compares: South Asian, 0.0011%; no homozygotes.

Submissions (5):

Natera, Inc.
Classification: Likely pathogenic for Congenital disorder of glycosylation type 1a. Last evaluated: 2025-02-18. Review status: criteria provided, single submitter. Criteria: Natera Variant Classification Schema (03/2026). Collection method: clinical testing. Allele origin: germline.
Comment: The c.703G>T variant in PMM2 is a nonsense variant predicted to introduce a stop codon at amino acid 235. This variant is expected to result in nonsense mediated decay, truncation, or a dysfunctional protein product. This variant is rare in the general population with a frequency below the threshold expected for the associated phenotype(s). Given the available evidence, this variant is classified as Likely Pathogenic.

Revvity Omics, Revvity
Classification: Uncertain significance for PMM2-congenital disorder of glycosylation. Last evaluated: 2024-01-11. Review status: criteria provided, single submitter. Criteria: ACMG Guidelines, 2015. Collection method: clinical testing. Allele origin: germline.

Labcorp Genetics (formerly Invitae), Labcorp
Classification: Pathogenic for PMM2-congenital disorder of glycosylation. Last evaluated: 2023-07-14. Review status: criteria provided, single submitter. Criteria: Invitae Variant Classification Sherloc (09022015). Collection method: clinical testing. Allele origin: germline.
Comment: For these reasons, this variant has been classified as Pathogenic. This variant disrupts a region of the PMM2 protein in which other variant(s) (p.Cys241Ser) have been determined to be pathogenic (PMID: 11156536, 11715002, 15844218, 21541725, 22012410, 25355454, 26014514). This suggests that this is a clinically significant region of the protein, and that variants that disrupt it are likely to be disease-causing. Algorithms developed to predict the effect of sequence changes on RNA splicing suggest that this variant may disrupt the consensus splice site. ClinVar contains an entry for this variant (Variation ID: 556471). This variant has not been reported in the literature in individuals affected with PMM2-related conditions. This variant is not present in population databases (gnomAD no frequency). This sequence change creates a premature translational stop signal (p.Glu235*) in the PMM2 gene. While this is not anticipated to result in nonsense mediated decay, it is expected to disrupt the last 12 amino acid(s) of the PMM2 protein.

Baylor Genetics
Classification: Likely pathogenic for PMM2-congenital disorder of glycosylation. Last evaluated: 2022-04-20. Review status: criteria provided, single submitter. Criteria: ACMG Guidelines, 2015. Collection method: clinical testing. Allele origin: unknown.

Counsyl
Classification: Uncertain significance for PMM2-congenital disorder of glycosylation. Last evaluated: 2018-01-31. Review status: no assertion criteria provided. Collection method: clinical testing. Allele origin: unknown. Not counted in ClinVar's aggregate classification.

Literature cited by the submitters: PubMed 11156536 (cited by Labcorp Genetics (formerly Invitae), Labcorp); PubMed 11715002 (cited by Labcorp Genetics (formerly Invitae), Labcorp); PubMed 15844218 (cited by Labcorp Genetics (formerly Invitae), Labcorp); PubMed 21541725 (cited by Labcorp Genetics (formerly Invitae), Labcorp); PubMed 22012410 (cited by Labcorp Genetics (formerly Invitae), Labcorp); PubMed 25355454 (cited by Labcorp Genetics (formerly Invitae), Labcorp); PubMed 26014514 (cited by Labcorp Genetics (formerly Invitae), Labcorp).

NM_000303.3(PMM2):c.703G>T (p.Glu235Ter)

Gene: PMM2 (phosphomannomutase 2; plus strand). Cytogenetic location: 16p13.2.
Variant type: single nucleotide variant.
Coding change: c.703G>T on transcript NM_000303.3 (MANE Select); coding-DNA position 703, G replaced by T.
Protein change: p.Glu235Ter; replaces glutamic acid 235 with a stop codon.
Molecular consequence: nonsense.
Genome position (GRCh38, 1-based): chr16:8,847,787, G>T. VCF-style: chr16-8847787-G-T. GRCh37 (hg19) VCF-style: chr16-8941644-G-T.
Other names: short protein forms E235*.
Identifiers: ClinVar variation 556471 (VCV000556471.16), dbSNP rs763091085, ClinGen allele CA394689643.